The following is an entry in ClinVar:

ClinVar aggregate classification (germline): Uncertain significance (1 of 4 stars; one submission).

Submission:

CeGaT Center for Human Genetics Tuebingen
Classification: Uncertain significance. Last evaluated: 2022-07-01. Review status: criteria provided, single submitter. Criteria: CeGaT Center For Human Genetics Tuebingen Variant Classification Criteria Version 2. Collection method: clinical testing. Allele origin: germline. Affected: yes. Observed: 1 variant allele.
Comment: FCGBP: PM2, BP4

NM_003890.3(FCGBP):c.8542G>A (p.Gly2848Ser)

Gene: FCGBP (Fc gamma binding protein; minus strand). Cytogenetic location: 19q13.2.
Variant type: single nucleotide variant.
Coding change: c.8542G>A on transcript NM_003890.3 (MANE Select); coding-DNA position 8542, G replaced by A.
Protein change: p.Gly2848Ser; replaces glycine 2848 with serine.
Molecular consequence: missense variant.
Genome position (GRCh38, 1-based): chr19:39,896,132, C>T on the plus strand (G>A on the coding strand, the complement: FCGBP is on the minus strand). VCF-style: chr19-39896132-C-T. GRCh37 (hg19) VCF-style: chr19-40386772-C-T.
Other names: short protein forms G2848S.
Identifiers: ClinVar variation 2649853 (VCV002649853.24), dbSNP rs1188151727, ClinGen allele CA405845139.